The following is an entry in ClinVar:

ClinVar aggregate classification (germline): Likely benign. Review status: criteria provided, multiple submitters, no conflicts (2 of 4 stars). 3 submissions from 3 submitters: Likely benign (3). Last evaluated 2026-09-01.

Conditions:
Inborn genetic diseases. Identifiers: MedGen C0950123, MeSH D030342.

Submissions (3):

CeGaT Center for Human Genetics Tuebingen
Classification: Likely benign. Last evaluated: 2026-09-01. Review status: criteria provided, single submitter. Criteria: CeGaT Center For Human Genetics Tuebingen Variant Classification Criteria Version 2. Collection method: clinical testing. Allele origin: germline. Affected: yes. Observed: 11 variant alleles.
Comment: IRF2BPL: BS1

Blueprint Genetics
Classification: Likely benign. Last evaluated: 2024-10-10. Review status: criteria provided, single submitter. Criteria: ACMG Guidelines, 2015. Collection method: clinical testing. Allele origin: germline.

Ambry Genetics
Classification: Likely benign for Inborn genetic diseases. Last evaluated: 2021-10-05. Review status: criteria provided, single submitter. Criteria: Ambry Variant Classification Scheme 2023. Collection method: clinical testing. Allele origin: germline.

NM_024496.4(IRF2BPL):c.342_368del (p.Gln119_Gln127del)

Gene: IRF2BPL (interferon regulatory factor 2 binding protein like; minus strand). Cytogenetic location: 14q24.3.
Variant type: Deletion.
Coding change: c.342_368del on transcript NM_024496.4 (MANE Select); coding-DNA positions 342 to 368, 27 bases deleted (ACAGCAGCAGCAGCAGCAGCAGCAGCA).
Protein change: p.Gln119_Gln127del.
Molecular consequence: inframe deletion.
Genome position (GRCh38, 1-based): chr14:77,027,425-77,027,451, TGCTGCTGCTGCTGCTGCTGCTGCTGT deleted on the plus strand (ACAGCAGCAGCAGCAGCAGCAGCAGCA on the coding strand, the reverse complement: IRF2BPL is on the minus strand); deleting any 27 consecutive bases within chr14:77,027,425-77,027,471 gives the same sequence; the c. name uses the placement nearest the transcript's 3' end. VCF-style (leftmost placement, unchanged base first): chr14-77027424-CTGCTGCTGCTGCTGCTGCTGCTGCTGT-C. GRCh37 (hg19) VCF-style: chr14-77493767-CTGCTGCTGCTGCTGCTGCTGCTGCTGT-C.
Identifiers: ClinVar variation 2344265 (VCV002344265.27), dbSNP rs763965822, ClinGen allele CA7283982.